The following is an entry in ClinVar:

NM_005896.4(IDH1):c.217T>G (p.Cys73Gly)

Gene: IDH1 (isocitrate dehydrogenase (NADP(+)) 1; minus strand). Cytogenetic location: 2q34.
Variant type: single nucleotide variant.
Coding change: c.217T>G on transcript NM_005896.4 (MANE Select); coding-DNA position 217, T replaced by G.
Protein change: p.Cys73Gly; replaces cysteine 73 with glycine.
Molecular consequence: missense variant.
Genome position (GRCh38, 1-based): chr2:208,248,566, A>C on the plus strand (T>G on the coding strand, the complement: IDH1 is on the minus strand). VCF-style: chr2-208248566-A-C. GRCh37 (hg19) VCF-style: chr2-209113290-A-C.
Other names: c.217T>G, p.Cys73Gly (NM_001282386.1, NM_001282387.1); short protein forms C73G.
Identifiers: ClinVar variation 3225134 (VCV003225134.2), dbSNP rs2469032475, ClinGen allele CA350102261.
Genomic context (GRCh38, chr2:208,248,566, plus strand): 5'-TCCACATTTGTTTCAACTTGAACTCCTCAACCCTCTTCTCATCAGGAGTGATAGTGGCAC[A>C]TTTGACGCCAACATTATGCTTCTTTATAGCTTCTGCAGCATCCTTGGTGACTTGGTCGTT-3'
Protein context (NP_005887.2, residues 63-83): AIKKHNVGVK[Cys73Gly]ATITPDEKRV

ClinVar aggregate classification (germline): Uncertain significance (1 of 4 stars; one submission).
ClinVar aggregate classification (somatic clinical impact): Tier III - Unknown (0 of 4 stars; one submission).

Conditions:
Chronic myeloid leukemia. Also called: Chronic myelogenous leukemia; Chronic myelogenous leukemia, BCR-ABL1 positive. Identifiers: Orphanet 521, MedGen C0279543, MeSH D015464, MONDO:0011996, OMIM 608232, HP:0005506.

gnomAD v4.1: 1 of 1,614,210 alleles (0.000062%); no homozygotes.

Submissions (2):

Ambry Genetics
Classification: Uncertain significance. Last evaluated: 2024-01-11. Review status: criteria provided, single submitter. Criteria: Ambry Variant Classification Scheme 2023. Collection method: clinical testing. Allele origin: germline.
Comment: The p.C73G variant (also known as c.217T>G), located in coding exon 2 of the IDH1 gene, results from a T to G substitution at nucleotide position 217. The cysteine at codon 73 is replaced by glycine, an amino acid with highly dissimilar properties. This amino acid position is conserved. In addition, this alteration is predicted to be deleterious by in silico analysis. Since supporting evidence is limited at this time, the clinical significance of this alteration remains unclear.

Human Genetics Laboratory, University of Education
Classification: Tier III - Unknown for Chronic myeloid leukemia. Review status: no assertion criteria provided. Collection method: clinical testing. Allele origin: somatic. Observed: 9 variant alleles.
Comment: The variant was not found in ClinVar, COSMIC, or the available published literature. In silico analyses (PolyPhen-2, MutationTaster, I-Mutant, Project HOPE, SWISS-MODEL, ProtParam, and VADAR) suggest a potential effect on protein structure and stability. However, no functional or clinical validation is currently available. Therefore, this variant is classified as Tier III (Variant of Unknown Clinical Significance).